The following is an entry in ClinVar:

ClinVar aggregate classification (germline): Uncertain significance. Review status: criteria provided, multiple submitters, no conflicts (2 of 4 stars). 2 submissions from 2 submitters: Uncertain significance (2). Last evaluated 2026-04-15.

Conditions:
SIX2-related disorder. Also called: SIX2-related condition.

Allele frequency attached by ClinVar (database versions not stated): gnomAD exomes below 0.00001; TOPMed below 0.00001; gnomAD 0.00001; ExAC 0.00002.

Submissions (2):

PreventionGenetics, part of Exact Sciences
Classification: Uncertain significance for SIX2-related condition. Last evaluated: 2026-04-15. Review status: criteria provided, single submitter. Criteria: ACMG Guidelines, 2015. Collection method: clinical testing. Allele origin: germline.
Comment: The SIX2 c.839A>G variant is predicted to result in the amino acid substitution p.Asn280Ser. To our knowledge, this variant has not been reported in the literature. This variant is reported in 0.0098% of alleles in individuals of South Asian descent in gnomAD. At this time, the clinical significance of this variant is uncertain due to the absence of conclusive functional and genetic evidence.

Ambry Genetics
Classification: Uncertain significance. Last evaluated: 2024-08-27. Review status: criteria provided, single submitter. Criteria: Ambry Variant Classification Scheme 2023. Collection method: clinical testing. Allele origin: germline.

NM_016932.5(SIX2):c.839A>G (p.Asn280Ser)

Gene: SIX2 (SIX homeobox 2; minus strand). Cytogenetic location: 2p21.
Variant type: single nucleotide variant.
Coding change: c.839A>G on transcript NM_016932.5 (MANE Select); coding-DNA position 839, A replaced by G.
Protein change: p.Asn280Ser; replaces asparagine 280 with serine.
Molecular consequence: missense variant.
Genome position (GRCh38, 1-based): chr2:45,006,207, T>C on the plus strand (A>G on the coding strand, the complement: SIX2 is on the minus strand). VCF-style: chr2-45006207-T-C. GRCh37 (hg19) VCF-style: chr2-45233346-T-C.
Other names: short protein forms N280S.
Identifiers: ClinVar variation 2628743 (VCV002628743.3), dbSNP rs753952589, ClinGen allele CA1642450.